The following is an entry in ClinVar:

NM_000435.3(NOTCH3):c.304G>T (p.Ala102Ser)

Gene: NOTCH3 (notch receptor 3; minus strand). Cytogenetic location: 19p13.12.
Variant type: single nucleotide variant.
Coding change: c.304G>T on transcript NM_000435.3 (MANE Select); coding-DNA position 304, G replaced by T.
Protein change: p.Ala102Ser; replaces alanine 102 with serine.
Molecular consequence: missense variant.
Genome position (GRCh38, 1-based): chr19:15,192,413, C>A on the plus strand (G>T on the coding strand, the complement: NOTCH3 is on the minus strand). VCF-style: chr19-15192413-C-A. GRCh37 (hg19) VCF-style: chr19-15303224-C-A.
Other names: c.304G>T (NM_000435.2); short protein forms A102S.
Identifiers: ClinVar variation 2729007 (VCV002729007.4), dbSNP rs753596637, ClinGen allele CA9263935.

ClinVar aggregate classification (germline): Uncertain significance. Review status: criteria provided, multiple submitters, no conflicts (2 of 4 stars). 2 submissions from 2 submitters: Uncertain significance (2). Last evaluated 2025-09-11.

Conditions:
Inborn genetic diseases. Identifiers: MedGen C0950123, MeSH D030342.

Allele frequency attached by ClinVar (database versions not stated): ExAC 0.00002.
gnomAD v4.1: 3 of 1,612,330 alleles (0.00019%); highest among the groups gnomAD compares: Non-Finnish European, 0.00017%; no homozygotes.

Submissions (2):

Ambry Genetics
Classification: Uncertain significance for Inborn genetic diseases. Last evaluated: 2025-09-11. Review status: criteria provided, single submitter. Criteria: Ambry Variant Classification Scheme 2023. Collection method: clinical testing. Allele origin: germline.

Labcorp Genetics (formerly Invitae), Labcorp
Classification: Uncertain significance. Last evaluated: 2025-02-28. Review status: criteria provided, single submitter. Criteria: Invitae Variant Classification Sherloc (09022015). Collection method: clinical testing. Allele origin: germline.
Comment: This sequence change replaces alanine, which is neutral and non-polar, with serine, which is neutral and polar, at codon 102 of the NOTCH3 protein (p.Ala102Ser). This variant is present in population databases (rs753596637, gnomAD 0.002%). This variant has not been reported in the literature in individuals affected with NOTCH3-related conditions. ClinVar contains an entry for this variant (Variation ID: 2729007). Invitae Evidence Modeling of protein sequence and biophysical properties (such as structural, functional, and spatial information, amino acid conservation, physicochemical variation, residue mobility, and thermodynamic stability) indicates that this missense variant is not expected to disrupt NOTCH3 protein function with a negative predictive value of 95%. In summary, the available evidence is currently insufficient to determine the role of this variant in disease. Therefore, it has been classified as a Variant of Uncertain Significance.